The following is an entry in ClinVar:

NM_001199397.3(NEK1):c.904G>C (p.Val302Leu)

Gene: NEK1 (NIMA related kinase 1; minus strand). Cytogenetic location: 4q33.
Variant type: single nucleotide variant.
Coding change: c.904G>C on transcript NM_001199397.3 (MANE Select); coding-DNA position 904, G replaced by C.
Protein change: p.Val302Leu; replaces valine 302 with leucine.
Molecular consequence: missense variant. On other transcripts: non-coding transcript variant (2).
Genome position (GRCh38, 1-based): chr4:169,577,044, C>G on the plus strand (G>C on the coding strand, the complement: NEK1 is on the minus strand). VCF-style: chr4-169577044-C-G. GRCh37 (hg19) VCF-style: chr4-170498195-C-G.
Other names: c.904G>C, p.Val302Leu (NM_001199398.3, NM_001199399.3, NM_001199400.3 and 7 more transcripts); short protein forms V302L.
Identifiers: ClinVar variation 2130319 (VCV002130319.4), dbSNP rs1765798153, ClinGen allele CA358736277.
Genomic context (GRCh38, chr4:169,577,044, plus strand): 5'-TATATGCTAAAGGTATTCCATATTTAGCGGCAGGCTTTGTAATTTTCTGAGCAGGCATAA[C>G]AGAAATCGAGTTTTGTCCTGAAGCTGGTCTTTTAGCTAGATGAAAAGATACAAAGAATTT-3'
Protein context (NP_001186326.1, residues 292-312): RPASGQNSIS[Val302Leu]MPAQKITKPA

ClinVar aggregate classification (germline): Uncertain significance (1 of 4 stars; one submission).

Conditions:
Short-rib thoracic dysplasia 6 with or without polydactyly (SRTD6). Also called: SHORT RIB-POLYDACTYLY SYNDROME, TYPE IIA; POLYDACTYLY WITH NEONATAL CHONDRODYSTROPHY, TYPE II; Majewski Syndrome; SHORT-RIB THORACIC DYSPLASIA 6 WITH POLYDACTYLY; SHORT-RIB THORACIC DYSPLASIA 6 WITHOUT POLYDACTYLY. Identifiers: MedGen C0024507, MONDO:0009894, OMIM 263520.

Submission:

Labcorp Genetics (formerly Invitae), Labcorp
Classification: Uncertain significance for Short-rib thoracic dysplasia 6 with or without polydactyly. Last evaluated: 2022-04-24. Review status: criteria provided, single submitter. Criteria: Invitae Variant Classification Sherloc (09022015). Collection method: clinical testing. Allele origin: germline.
Comment: This sequence change replaces valine, which is neutral and non-polar, with leucine, which is neutral and non-polar, at codon 302 of the NEK1 protein (p.Val302Leu). This variant is not present in population databases (gnomAD no frequency). This variant has not been reported in the literature in individuals affected with NEK1-related conditions. Advanced modeling of protein sequence and biophysical properties (such as structural, functional, and spatial information, amino acid conservation, physicochemical variation, residue mobility, and thermodynamic stability) performed at Invitae indicates that this missense variant is not expected to disrupt NEK1 protein function. In summary, the available evidence is currently insufficient to determine the role of this variant in disease. Therefore, it has been classified as a Variant of Uncertain Significance.